The following is an entry in ClinVar:

NM_001904.4(CTNNB1):c.1950T>C (p.Gly650=)

Gene: CTNNB1 (catenin beta 1; plus strand). Cytogenetic location: 3p22.1.
Variant type: single nucleotide variant.
Coding change: c.1950T>C on transcript NM_001904.4 (MANE Select); coding-DNA position 1950, T replaced by C.
Protein change: p.Gly650=; no amino-acid change (glycine 650 retained).
Molecular consequence: synonymous variant.
Genome position (GRCh38, 1-based): chr3:41,236,495, T>C. VCF-style: chr3-41236495-T-C. GRCh37 (hg19) VCF-style: chr3-41277986-T-C.
Other names: c.1950T>C, p.Gly650= (NM_001098209.2, NM_001098210.2); c.1929T>C, p.Gly643= (NM_001330729.2).
Identifiers: ClinVar variation 2845711 (VCV002845711.3), dbSNP rs2125646332, ClinGen allele CA433346643.
Genomic context (GRCh38, chr3:41,236,495, plus strand): 5'-TATTGAAGCTGAGGGAGCCACAGCTCCTCTGACAGAGTTACTTCACTCTAGGAATGAAGG[T>C]GTGGGTAAGTAAAAAGGAACCAAAGCCTTTAGCAGATGTGTACATTGAAGTCTCAGTTTT-3'
Protein context (NP_001895.1, residues 640-660): LTELLHSRNE[Gly650=]VATYAAAVLF

ClinVar aggregate classification (germline): Uncertain significance (1 of 4 stars; one submission).

Submission:

Labcorp Genetics (formerly Invitae), Labcorp
Classification: Uncertain significance. Last evaluated: 2023-03-14. Review status: criteria provided, single submitter. Criteria: Invitae Variant Classification Sherloc (09022015). Collection method: clinical testing. Allele origin: germline.
Comment: In summary, the available evidence is currently insufficient to determine the role of this variant in disease. Therefore, it has been classified as a Variant of Uncertain Significance. Algorithms developed to predict the effect of sequence changes on RNA splicing suggest that this variant may disrupt the consensus splice site. This variant has not been reported in the literature in individuals affected with CTNNB1-related conditions. This variant is not present in population databases (gnomAD no frequency). This sequence change affects codon 650 of the CTNNB1 mRNA. It is a 'silent' change, meaning that it does not change the encoded amino acid sequence of the CTNNB1 protein.